The following is an entry in ClinVar:

NM_000322.5(PRPH2):c.463_467dup (p.Asp157fs)

Gene: PRPH2 (peripherin 2; minus strand). Cytogenetic location: 6p21.1.
Variant type: Duplication.
Coding change: c.463_467dup on transcript NM_000322.5 (MANE Select); coding-DNA positions 463 to 467, 5 bases duplicated (ACCAT; older notation c.463_467dupACCAT).
Protein change: p.Asp157fs; shifts the reading frame from aspartic acid 157.
Molecular consequence: frameshift variant.
Genome position (GRCh38, 1-based): chr6:42,721,868-42,721,872, ATGGT duplicated on the plus strand (ACCAT on the coding strand, the reverse complement: PRPH2 is on the minus strand). VCF-style (leftmost placement, unchanged base first): chr6-42721867-G-GATGGT. GRCh37 (hg19) VCF-style: chr6-42689605-G-GATGGT.
Other names: short protein forms D157fs.
Identifiers: ClinVar variation 1338867 (VCV001338867.2), dbSNP rs2152010923, ClinGen allele CA2573052686.

ClinVar aggregate classification (germline): Pathogenic. Review status: criteria provided, multiple submitters, no conflicts (2 of 4 stars). 2 submissions from 2 submitters: Pathogenic (2). Last evaluated 2025-10-14.

Conditions:
Multifocal pattern dystrophy simulating fundus flavimaculatus. Identifiers: Orphanet 99003, MedGen C4509881, MONDO:0020382.
Retinal disorder. Also called: Retinal disorders; Retinopathies; Retinal Diseases; Retinopathy. Identifiers: MedGen C0035309, MONDO:0005283, HP:0000488.

Submissions (2):

Genetics Laboratory, Great Ormond Street Hospital NHS Foundation Trust, North Thames Genomic Laboratory Hub
Classification: Pathogenic for Retinal disorders. Last evaluated: 2025-10-14. Review status: criteria provided, single submitter. Criteria: ACGS Best Practice Guidelines for Variant Classification in Rare Disease 2024 v1.2. Collection method: clinical testing. Allele origin: germline. Affected: yes.
Comment: PM2_moderate, PVS1_very-strong

Institute of Medical Genetics and Applied Genomics, University Hospital Tübingen
Classification: Pathogenic for Multifocal pattern dystrophy simulating fundus flavimaculatus. Last evaluated: 2021-10-25. Review status: criteria provided, single submitter. Criteria: ACMG Guidelines, 2015. Collection method: clinical testing. Allele origin: germline. Inheritance: Autosomal dominant inheritance. Affected: yes.